The following is an entry in ClinVar:

NM_032603.5(LOXL3):c.1534A>G (p.Lys512Glu)

Gene: LOXL3 (lysyl oxidase like 3; minus strand). Cytogenetic location: 2p13.1.
Variant type: single nucleotide variant.
Coding change: c.1534A>G on transcript NM_032603.5 (MANE Select); coding-DNA position 1534, A replaced by G.
Protein change: p.Lys512Glu; replaces lysine 512 with glutamic acid.
Molecular consequence: missense variant.
Genome position (GRCh38, 1-based): chr2:74,535,337, T>C on the plus strand (A>G on the coding strand, the complement: LOXL3 is on the minus strand). VCF-style: chr2-74535337-T-C. GRCh37 (hg19) VCF-style: chr2-74762464-T-C.
Other names: c.1099A>G, p.Lys367Glu (NM_001289164.3); c.451A>G, p.Lys151Glu (NM_001289165.2); short protein forms K367E, K151E, K512E.
Identifiers: ClinVar variation 1489643 (VCV001489643.3), dbSNP rs750738016, ClinGen allele CA1728869.

ClinVar aggregate classification (germline): Uncertain significance (1 of 4 stars; one submission).

Allele frequency attached by ClinVar (database versions not stated): gnomAD 0.00001; gnomAD exomes 0.00001 and 0.00002; TOPMed 0.00001; ExAC 0.00002.

Submission:

Labcorp Genetics (formerly Invitae), Labcorp
Classification: Uncertain significance. Last evaluated: 2022-10-18. Review status: criteria provided, single submitter. Criteria: Invitae Variant Classification Sherloc (09022015). Collection method: clinical testing. Allele origin: germline.
Comment: This sequence change replaces lysine, which is basic and polar, with glutamic acid, which is acidic and polar, at codon 512 of the LOXL3 protein (p.Lys512Glu). This variant is present in population databases (rs750738016, gnomAD 0.01%). This variant has not been reported in the literature in individuals affected with LOXL3-related conditions. ClinVar contains an entry for this variant (Variation ID: 1489643). Algorithms developed to predict the effect of missense changes on protein structure and function are either unavailable or do not agree on the potential impact of this missense change (SIFT: "Deleterious"; PolyPhen-2: "Benign"; Align-GVGD: "Class C0"). In summary, the available evidence is currently insufficient to determine the role of this variant in disease. Therefore, it has been classified as a Variant of Uncertain Significance.